The following is an entry in ClinVar:

NM_017934.7(PHIP):c.2546C>T (p.Ser849Phe)

Gene: PHIP (PHIP subunit of CUL4-Ring ligase complex; minus strand). Cytogenetic location: 6q14.1.
Variant type: single nucleotide variant.
Coding change: c.2546C>T on transcript NM_017934.7 (MANE Select); coding-DNA position 2546, C replaced by T.
Protein change: p.Ser849Phe; replaces serine 849 with phenylalanine.
Molecular consequence: missense variant.
Genome position (GRCh38, 1-based): chr6:78,983,109, G>A on the plus strand (C>T on the coding strand, the complement: PHIP is on the minus strand). VCF-style: chr6-78983109-G-A. GRCh37 (hg19) VCF-style: chr6-79692826-G-A.
Other names: short protein forms S849F.
Identifiers: ClinVar variation 2656719 (VCV002656719.24), dbSNP rs1768643810, ClinGen allele CA364650204.
Genomic context (GRCh38, chr6:78,983,109, plus strand): 5'-ACTTTCTTTGGTGGCTGCAGATTAATTCCTGCATCTGCTGTCCAGTCAGAGTAATCACTG[G>A]AGTAGTCACTAGAAGGAGAGAAGGGATTATTAGATAACACACAAGATAAAATTTTAAGAC-3'
Protein context (NP_060404.4, residues 839-859): WHSDGSSSDY[Ser849Phe]SDYSDWTADA

ClinVar aggregate classification (germline): Uncertain significance (1 of 4 stars; one submission).

Submission:

CeGaT Center for Human Genetics Tuebingen
Classification: Uncertain significance. Last evaluated: 2022-12-01. Review status: criteria provided, single submitter. Criteria: CeGaT Center For Human Genetics Tuebingen Variant Classification Criteria Version 2. Collection method: clinical testing. Allele origin: germline. Affected: yes. Observed: 1 variant allele.
Comment: PHIP: PM2, PP2